The following is an entry in ClinVar:

NM_000016.6(ACADM):c.661G>A (p.Gly221Arg)

Gene: ACADM (acyl-CoA dehydrogenase medium chain; plus strand). Cytogenetic location: 1p31.1.
Variant type: single nucleotide variant.
Coding change: c.661G>A on transcript NM_000016.6 (MANE Select); coding-DNA position 661, G replaced by A.
Protein change: p.Gly221Arg; replaces glycine 221 with arginine.
Molecular consequence: missense variant.
Genome position (GRCh38, 1-based): chr1:75,745,867, G>A. VCF-style: chr1-75745867-G-A. GRCh37 (hg19) VCF-style: chr1-76211552-G-A.
Other names: c.673G>A, p.Gly225Arg (NM_001127328.3); c.553G>A, p.Gly185Arg (NM_001286042.2); c.760G>A, p.Gly254Arg (NM_001286043.2); c.94G>A, p.Gly32Arg (NM_001286044.2); c.661G>A (NM_000016.5); short protein forms G221R, G225R, G185R, G254R, G32R.
Identifiers: ClinVar variation 226081 (VCV000226081.19), dbSNP rs753627680, ClinGen allele CA913168.

ClinVar aggregate classification (germline): Conflicting classifications of pathogenicity. Review status: criteria provided, conflicting classifications (1 of 4 stars). 6 submissions from 6 submitters: Likely pathogenic (3); Uncertain significance (3). Last evaluated 2026-08-28.

Conditions:
Inborn genetic diseases. Identifiers: MedGen C0950123, MeSH D030342.
Medium-chain acyl-coenzyme A dehydrogenase deficiency (ACADMD). Also called: MCADH DEFICIENCY; ACADM DEFICIENCY; Medium chain acyl-CoA dehydrogenase deficiency; MCAD Deficiency; CARNITINE DEFICIENCY SECONDARY TO MEDIUM-CHAIN ACYL-CoA DEHYDROGENASE DEFICIENCY; MCADD. Identifiers: Orphanet 42, MedGen C0220710, MONDO:0008721, OMIM 201450.

Allele frequency attached by ClinVar (database versions not stated): gnomAD 0.00001; gnomAD exomes 0.00001; ExAC 0.00001.

Submissions (6):

Ambry Genetics
Classification: Likely pathogenic for Inborn genetic diseases. Last evaluated: 2026-08-28. Review status: criteria provided, single submitter. Criteria: Ambry Variant Classification Scheme 2023. Collection method: clinical testing. Allele origin: germline.
Comment: The c.661G>A (p.G221R) alteration is located in exon 8 (coding exon 8) of the ACADM gene. This alteration results from a G to A substitution at nucleotide position 661, causing the glycine (G) at amino acid position 221 to be replaced by an arginine (R). Based on data from gnomAD, the A allele has an overall frequency of 0.001% (4/282768) total alleles studied. The highest observed frequency was 0.011% (4/35438) of Latino alleles. This variant has been identified in the homozygous state and/or in conjunction with other ACADM variant(s) in individual(s) with features consistent with medium chain acyl-CoA dehydrogenase deficiency; in at least one instance, the variants were identified in trans (Hsu, 2008). This amino acid position is highly conserved in available vertebrate species. This alteration is predicted to be deleterious by in silico analysis. Based on the available evidence, this alteration is classified as likely pathogenic.

Labcorp Genetics (formerly Invitae), Labcorp
Classification: Uncertain significance for Medium-chain acyl-coenzyme A dehydrogenase deficiency. Last evaluated: 2025-11-20. Review status: criteria provided, single submitter. Criteria: Invitae Variant Classification Sherloc (09022015). Collection method: clinical testing. Allele origin: germline.
Comment: This sequence change replaces glycine, which is neutral and non-polar, with arginine, which is basic and polar, at codon 221 of the ACADM protein (p.Gly221Arg). The frequency data for this variant in the population databases is considered unreliable, as metrics indicate poor data quality at this position in the gnomAD database. This missense change has been observed in individuals with medium-chain acyl-coenzyme A dehydrogenase deficiency (PMID: 18450854, 20434380; internal data). ClinVar contains an entry for this variant (Variation ID: 226081). Invitae Evidence Modeling of protein sequence and biophysical properties (such as structural, functional, and spatial information, amino acid conservation, physicochemical variation, residue mobility, and thermodynamic stability) indicates that this missense variant is expected to disrupt ACADM protein function with a positive predictive value of 80%. In summary, the available evidence is currently insufficient to determine the role of this variant in disease. Therefore, it has been classified as a Variant of Uncertain Significance.

Natera, Inc.
Classification: Likely pathogenic for Medium Chain Acyl-CoA Dehydrogenase Deficiency. Last evaluated: 2025-07-29. Review status: criteria provided, single submitter. Criteria: Natera Variant Classification Schema (03/2026). Collection method: clinical testing. Allele origin: germline.
Comment: The c.661G>A variant in ACADM is a missense variant predicted to cause substitution of glycine to arginine at amino acid 221. This variant is rare in the general population with a frequency below the threshold expected for the associated phenotype(s). This variant has been observed in one or more individuals affected with the associated recessive disease, as either homozygous or compound heterozygous with a second variant (PMID: 18450854). This variant has been identified in one or more affected individual with a phenotype highly consistent with the associated gene (PMID: 18450854). Computational prediction algorithms indicate this variant is likely to affect gene or protein function. Given the available evidence, this variant is classified as Likely Pathogenic.

Baylor Genetics
Classification: Likely pathogenic for Medium-chain acyl-coenzyme A dehydrogenase deficiency. Last evaluated: 2023-07-31. Review status: criteria provided, single submitter. Criteria: ACMG Guidelines, 2015. Collection method: clinical testing. Allele origin: unknown.

GeneDx
Classification: Uncertain significance. Last evaluated: 2017-06-29. Review status: criteria provided, single submitter. Criteria: GeneDx Variant Classification (06012015). Collection method: clinical testing. Allele origin: germline. Affected: yes.
Comment: The G221R variant has been reported in an individual with biochemical findings consistent with medium chain acyl-CoA dehydrogenase (MCAD) deficiency who also harbored another variant in the ACADM gene, although it was not determined if the variants were in cis or trans (Smith et al., 2010). The G221R variant is not observed at a significant frequency in large population cohorts (Lek et al., 2016; 1000 Genomes Consortium et al., 2015; Exome Variant Server). The G221R variant is a non-conservative amino acid substitution, which is likely to impact secondary protein structure as these residues differ in polarity, charge, size and/or other properties. This substitution occurs at a position that is conserved across species. In silico analysis predicts this variant is probably damaging to the protein structure/function. In summary, based on the currently available information, it is unclear whether this variant is a pathogenic variant or a rare benign variant.

ARUP Laboratories, Molecular Genetics and Genomics, ARUP Laboratories
Classification: Uncertain significance for Medium-chain acyl-coenzyme A dehydrogenase deficiency. Last evaluated: 2015-02-20. Review status: criteria provided, single submitter. Criteria: ACMG Guidelines, 2015. Collection method: clinical testing. Allele origin: germline. Inheritance: Autosomal recessive inheritance. Observed: 1 heterozygote.

Literature cited by the submitters: PubMed 18450854 (cited by 3 submitters); PubMed 20434380 (cited by Labcorp Genetics (formerly Invitae), Labcorp).